The following is an entry in ClinVar:

NM_004991.4(MECOM):c.2063C>T (p.Ala688Val)

Gene: MECOM (MDS1 and EVI1 complex locus; minus strand). Cytogenetic location: 3q26.2.
Variant type: single nucleotide variant.
Coding change: c.2063C>T on transcript NM_004991.4 (MANE Select); coding-DNA position 2063, C replaced by T.
Protein change: p.Ala688Val; replaces alanine 688 with valine.
Molecular consequence: missense variant. On other transcripts: intron variant (2).
Genome position (GRCh38, 1-based): chr3:169,115,809, G>A on the plus strand (C>T on the coding strand, the complement: MECOM is on the minus strand). VCF-style: chr3-169115809-G-A. GRCh37 (hg19) VCF-style: chr3-168833597-G-A.
Other names: c.1694C>T, p.Ala565Val (NM_001105077.4); c.1499C>T, p.Ala500Val (NM_001105078.4, NM_001164000.2, NM_001205194.2 and 4 more transcripts); c.1502C>T, p.Ala501Val (NM_001163999.2, NM_001366467.2, NM_001366468.2 and 1 more transcripts); c.2063C>T, p.Ala688Val (NM_001366466.2); c.1133-42C>T (NM_001366473.2); c.569-42C>T (NM_001366474.2); short protein forms A500V, A565V, A501V, A688V.
Identifiers: ClinVar variation 3394347 (VCV003394347.2).

ClinVar aggregate classification (germline): Uncertain significance. Review status: criteria provided, multiple submitters, no conflicts (2 of 4 stars). 2 submissions from 2 submitters: Uncertain significance (2). Last evaluated 2025-08-08.

Conditions:
Inborn genetic diseases. Identifiers: MedGen C0950123, MeSH D030342.

gnomAD v4.1: 4 of 1,614,066 alleles (0.00025%); highest among the groups gnomAD compares: Admixed American, 0.005%; no homozygotes.

Submissions (2):

Labcorp Genetics (formerly Invitae), Labcorp
Classification: Uncertain significance. Last evaluated: 2025-08-08. Review status: criteria provided, single submitter. Criteria: Invitae Variant Classification Sherloc (09022015). Collection method: clinical testing. Allele origin: germline.
Comment: This sequence change replaces alanine, which is neutral and non-polar, with valine, which is neutral and non-polar, at codon 500 of the MECOM protein (p.Ala500Val). This variant is present in population databases (no rsID available, gnomAD 0.009%). This variant has not been reported in the literature in individuals affected with MECOM-related conditions. ClinVar contains an entry for this variant (Variation ID: 3394347). An algorithm developed to predict the effect of missense changes on protein structure and function (PolyPhen-2) suggests that this variant is likely to be tolerated. In summary, the available evidence is currently insufficient to determine the role of this variant in disease. Therefore, it has been classified as a Variant of Uncertain Significance.

Ambry Genetics
Classification: Uncertain significance for Inborn genetic diseases. Last evaluated: 2024-11-28. Review status: criteria provided, single submitter. Criteria: Ambry Variant Classification Scheme 2023. Collection method: clinical testing. Allele origin: germline.
Comment: The p.A688V variant (also known as c.2063C>T), located in coding exon 8 of the MECOM gene, results from a C to T substitution at nucleotide position 2063. The alanine at codon 688 is replaced by valine, an amino acid with similar properties. This amino acid position is conserved. In addition, this alteration is predicted to be tolerated by in silico analysis. Based on the available evidence, the clinical significance of this variant remains unclear.